The following is an entry in ClinVar:

ClinVar aggregate classification (germline): Likely pathogenic (3 of 4 stars; one submission).

Conditions:
Glanzmann thrombasthenia. Also called: PLATELET GLYCOPROTEIN IIb-IIIa DEFICIENCY; BLEEDING DISORDER, PLATELET-TYPE, 2; THROMBASTHENIA OF GLANZMANN AND NAEGELI; Thrombasthenia; Glanzmann's thrombasthenia. Identifiers: Orphanet 849, MedGen C0040015, MONDO:0100326.

Submission:

ClinGen Platelet Disorders Variant Curation Expert Panel, ClinGen
Classification: Likely pathogenic for Glanzmann thrombasthenia. Last evaluated: 2025-02-18. Review status: reviewed by expert panel. Criteria: ClinGen Platelet ACMG Specifications v2-1. Collection method: curation. Allele origin: germline. Inheritance: Autosomal recessive inheritance.
Comment: The NM_000419.5 (ITGA2B):c.310+3_310+6del intronic variant is predicted to disrupt the donor splice site of intron 2; the computational splicing predictor SpliceAI gives a score of 0.97 for donor loss (PP3). This variant is absent from gnomAD v4.1 (PM2_Supporting). At least one patient (Patient GT3 in PMID:25373348) with this variant displayed mucocutaneous bleeding and impaired aggregation with all agonists except ristocetin, which is highly specific for Glanzmann thrombasthenia. Additionally, αIIbβ3 surface expression was <5%, as measured by flow cytometry while αIIb was absent on Western blot and β3 was decreased. ITGA2B and ITGB3 were sequenced across all exons and intron/exon boundaries (PP4_strong). GT3 of PMID: 25373348 is homozygous for this variant (PM3_supporting). In summary, this variant meets the criteria to be classified as Likely Pathogenic for autosomal recessive Glanzmann Thrombasthenia based on the ACMG/AMP criteria applied, as specified by the ClinGen PD VCEP: PP4_strong, PM2_supporting, PM3_supporting, PP3. (VCEP specifications version 2)

NM_000419.5(ITGA2B):c.310+3_310+6del

Gene: ITGA2B (integrin subunit alpha 2b; minus strand). Cytogenetic location: 17q21.31.
Variant type: Deletion.
Coding change: c.310+3_310+6del on transcript NM_000419.5 (MANE Select); bases 3 to 6 of the intron after coding-DNA position 310, 4 bases deleted (GAGT; older notation c.310+3_310+6delGAGT).
Molecular consequence: splice donor variant.
Genome position (GRCh38, 1-based): chr17:44,386,004-44,386,007, ACTC deleted on the plus strand (GAGT on the coding strand, the reverse complement: ITGA2B is on the minus strand); deleting any 4 consecutive bases within chr17:44,386,004-44,386,009 gives the same sequence; the c. name uses the placement nearest the transcript's 3' end. VCF-style (leftmost placement, unchanged base first): chr17-44386003-GACTC-G. GRCh37 (hg19) VCF-style: chr17-42463371-GACTC-G.
Other names: NM_000419.5:c.310+3_310+6del.
Identifiers: ClinVar variation 1879044 (VCV001879044.2), dbSNP rs2510085373, ClinGen allele CA915940325.